The following is an entry in ClinVar:

NM_000548.5(TSC2):c.1228C>G (p.Leu410Val)

Gene: TSC2 (TSC complex subunit 2; plus strand). Cytogenetic location: 16p13.3.
Variant type: single nucleotide variant.
Coding change: c.1228C>G on transcript NM_000548.5 (MANE Select); coding-DNA position 1228, C replaced by G.
Protein change: p.Leu410Val; replaces leucine 410 with valine.
Molecular consequence: missense variant.
Genome position (GRCh38, 1-based): chr16:2,061,979, C>G. VCF-style: chr16-2061979-C-G. GRCh37 (hg19) VCF-style: chr16-2111980-C-G.
Other names: c.1228C>G, p.Leu410Val (NM_001077183.3, NM_001114382.3, NM_001363528.2 and 6 more transcripts); c.1117C>G, p.Leu373Val (NM_001318827.2, NM_001406678.1, NM_001406670.1); c.1081C>G, p.Leu361Val (NM_001318829.2, NM_001406675.1, NM_001406676.1 and 1 more transcripts); c.628C>G, p.Leu210Val (NM_001318831.2, NM_001406680.1, NM_001406682.1 and 6 more transcripts); c.1261C>G, p.Leu421Val (NM_001318832.2); c.1171C>G, p.Leu391Val (NM_001406677.1); c.766C>G, p.Leu256Val (NM_001406681.1); c.-117C>G (NM_001406696.1, NM_001406697.1, NM_001406689.1 and 4 more transcripts); and 4 more; short protein forms L256V, L410V, L210V, L391V, L361V, L406V, L373V, L421V.
Identifiers: ClinVar variation 2003058 (VCV002003058.5), dbSNP rs528727637, ClinGen allele CA276777476.

ClinVar aggregate classification (germline): Uncertain significance. Review status: criteria provided, multiple submitters, no conflicts (2 of 4 stars). 2 submissions from 2 submitters: Uncertain significance (2). Last evaluated 2023-05-04.

Conditions:
Tuberous sclerosis 2 (TSC2). Identifiers: Orphanet 805, MedGen C1860707, MONDO:0013199, OMIM 613254.
Tuberous sclerosis syndrome (TSC). Also called: Tuberous Sclerosis Complex; Tuberous sclerosis. Identifiers: Orphanet 805, MedGen C0041341, MONDO:0001734.

Allele frequency attached by ClinVar (database versions not stated): gnomAD 0.00001.
gnomAD v4.1: 1 of 1,614,178 alleles (0.000062%); highest among the groups gnomAD compares: Admixed American, 0.0017%; no homozygotes.

Submissions (2):

All of Us Research Program, National Institutes of Health
Classification: Uncertain significance for Tuberous sclerosis syndrome. Last evaluated: 2023-05-04. Review status: criteria provided, single submitter. Criteria: ACMG Guidelines, 2015. Collection method: clinical testing. Allele origin: germline. Inheritance: Autosomal dominant inheritance. Observed: 1 variant allele, 1 heterozygote.
Comment: This missense variant replaces leucine with valine at codon 410 of the TSC2 protein. Computational prediction is inconclusive regarding the impact of this variant on protein structure and function (internally defined REVEL score threshold 0.5 < inconclusive < 0.7, PMID: 27666373). To our knowledge, functional studies have not been reported for this variant. This variant has not been reported in individuals affected with TSC2-related disorders in the literature. This variant has not been identified in the general population by the Genome Aggregation Database (gnomAD). The available evidence is insufficient to determine the role of this variant in disease conclusively. Therefore, this variant is classified as a Variant of Uncertain Significance.

This study involves interpretation of variants in research participants for the purpose of population health screening. Participant phenotype was not available at the time of variant classification. Additional details can be found in publication PMID: 35346344, PMCID: PMC8962531

Labcorp Genetics (formerly Invitae), Labcorp
Classification: Uncertain significance for Tuberous sclerosis 2. Last evaluated: 2022-06-07. Review status: criteria provided, single submitter. Criteria: Invitae Variant Classification Sherloc (09022015). Collection method: clinical testing. Allele origin: germline.
Comment: Advanced modeling of protein sequence and biophysical properties (such as structural, functional, and spatial information, amino acid conservation, physicochemical variation, residue mobility, and thermodynamic stability) performed at Invitae indicates that this missense variant is not expected to disrupt TSC2 protein function. This sequence change replaces leucine, which is neutral and non-polar, with valine, which is neutral and non-polar, at codon 410 of the TSC2 protein (p.Leu410Val). This variant is not present in population databases (gnomAD no frequency). This variant has not been reported in the literature in individuals affected with TSC2-related conditions. In summary, the available evidence is currently insufficient to determine the role of this variant in disease. Therefore, it has been classified as a Variant of Uncertain Significance.